The following is an entry in ClinVar:

NM_018062.4(FANCL):c.805A>C (p.Arg269=)

Gene: FANCL (FA complementation group L; minus strand). Cytogenetic location: 2p16.1.
Variant type: single nucleotide variant.
Coding change: c.805A>C on transcript NM_018062.4 (MANE Select); coding-DNA position 805, A replaced by C.
Protein change: p.Arg269=; no amino-acid change (arginine 269 retained).
Molecular consequence: synonymous variant.
Genome position (GRCh38, 1-based): chr2:58,163,045, T>G on the plus strand (A>C on the coding strand, the complement: FANCL is on the minus strand). VCF-style: chr2-58163045-T-G. GRCh37 (hg19) VCF-style: chr2-58390180-T-G.
Other names: c.820A>C, p.Arg274= (NM_001114636.2); c.850A>C, p.Arg284= (NM_001374615.1); c.865A>C, p.Arg289= (NM_001410792.1).
Identifiers: ClinVar variation 2703734 (VCV002703734.3), dbSNP rs2466610147, ClinGen allele CA426175249.

ClinVar aggregate classification (germline): Uncertain significance (1 of 4 stars; one submission).

Conditions:
Fanconi anemia (FA). Also called: Fanconi's anemia. Identifiers: Orphanet 84, MedGen C0015625, MeSH D005199, MONDO:0019391.

Submission:

Labcorp Genetics (formerly Invitae), Labcorp
Classification: Uncertain significance for Fanconi anemia. Last evaluated: 2023-03-12. Review status: criteria provided, single submitter. Criteria: Invitae Variant Classification Sherloc (09022015). Collection method: clinical testing. Allele origin: germline.
Comment: In summary, the available evidence is currently insufficient to determine the role of this variant in disease. Therefore, it has been classified as a Variant of Uncertain Significance. Algorithms developed to predict the effect of sequence changes on RNA splicing suggest that this variant may create or strengthen a splice site. This variant has not been reported in the literature in individuals affected with FANCL-related conditions. This variant is not present in population databases (gnomAD no frequency). This sequence change affects codon 269 of the FANCL mRNA. It is a 'silent' change, meaning that it does not change the encoded amino acid sequence of the FANCL protein.